The following is an entry in ClinVar:

NM_021629.4(GNB4):c.635A>T (p.Asp212Val)

Gene: GNB4 (G protein subunit beta 4; minus strand). Cytogenetic location: 3q26.33.
Variant type: single nucleotide variant.
Coding change: c.635A>T on transcript NM_021629.4 (MANE Select); coding-DNA position 635, A replaced by T.
Protein change: p.Asp212Val; replaces aspartic acid 212 with valine.
Molecular consequence: missense variant.
Genome position (GRCh38, 1-based): chr3:179,413,476, T>A on the plus strand (A>T on the coding strand, the complement: GNB4 is on the minus strand). VCF-style: chr3-179413476-T-A. GRCh37 (hg19) VCF-style: chr3-179131264-T-A.
Other names: c.635A>T (NM_021629.3); short protein forms D212V.
Identifiers: ClinVar variation 3655254 (VCV003655254.3).

ClinVar aggregate classification (germline): Uncertain significance. Review status: criteria provided, multiple submitters, no conflicts (2 of 4 stars). 2 submissions from 2 submitters: Uncertain significance (2). Last evaluated 2024-09-27.

Conditions:
Charcot-Marie-Tooth disease dominant intermediate F. Identifiers: Orphanet 352670, MedGen C4749463, MONDO:0014074, OMIM 615185.

Submissions (2):

GeneDx
Classification: Uncertain significance. Last evaluated: 2024-09-27. Review status: criteria provided, single submitter. Criteria: GeneDx Variant Classification Process June 2021. Collection method: clinical testing. Allele origin: germline. Affected: yes.
Comment: Not observed at significant frequency in large population cohorts (gnomAD); In silico analysis supports that this missense variant has a deleterious effect on protein structure/function; Has not been previously published as pathogenic or benign to our knowledge

Labcorp Genetics (formerly Invitae), Labcorp
Classification: Uncertain significance for Charcot-Marie-Tooth disease dominant intermediate F. Last evaluated: 2024-06-01. Review status: criteria provided, single submitter. Criteria: Invitae Variant Classification Sherloc (09022015). Collection method: clinical testing. Allele origin: germline.
Comment: This sequence change replaces aspartic acid, which is acidic and polar, with valine, which is neutral and non-polar, at codon 212 of the GNB4 protein (p.Asp212Val). This variant is not present in population databases (gnomAD no frequency). This variant has not been reported in the literature in individuals affected with GNB4-related conditions. Advanced modeling of protein sequence and biophysical properties (such as structural, functional, and spatial information, amino acid conservation, physicochemical variation, residue mobility, and thermodynamic stability) performed at Invitae indicates that this missense variant is expected to disrupt GNB4 protein function with a positive predictive value of 80%. In summary, the available evidence is currently insufficient to determine the role of this variant in disease. Therefore, it has been classified as a Variant of Uncertain Significance.